The following is an entry in ClinVar:

ClinVar aggregate classification (germline): Uncertain significance (1 of 4 stars; one submission).

Conditions:
Transcobalamin II deficiency (TCN2D). Also called: Transcolabamin II deficiency; TC II DEFICIENCY; TCN2 DEFICIENCY. Identifiers: Orphanet 859, MedGen C0342701, MONDO:0010149, OMIM 275350.

Submission:

Labcorp Genetics (formerly Invitae), Labcorp
Classification: Uncertain significance for Transcobalamin II deficiency. Last evaluated: 2021-08-27. Review status: criteria provided, single submitter. Criteria: Invitae Variant Classification Sherloc (09022015). Collection method: clinical testing. Allele origin: germline.
Comment: This sequence change replaces histidine with tyrosine at codon 122 of the TCN2 protein (p.His122Tyr). The histidine residue is weakly conserved and there is a moderate physicochemical difference between histidine and tyrosine. This variant is not present in population databases (ExAC no frequency). This variant has not been reported in the literature in individuals affected with TCN2-related conditions. Algorithms developed to predict the effect of missense changes on protein structure and function (SIFT, PolyPhen-2, Align-GVGD) all suggest that this variant is likely to be tolerated. In summary, the available evidence is currently insufficient to determine the role of this variant in disease. Therefore, it has been classified as a Variant of Uncertain Significance.

NM_000355.4(TCN2):c.364C>T (p.His122Tyr)

Gene: TCN2 (transcobalamin 2; plus strand). Cytogenetic location: 22q12.2.
Variant type: single nucleotide variant.
Coding change: c.364C>T on transcript NM_000355.4 (MANE Select); coding-DNA position 364, C replaced by T.
Protein change: p.His122Tyr; replaces histidine 122 with tyrosine.
Molecular consequence: missense variant. On other transcripts: intron variant (1).
Genome position (GRCh38, 1-based): chr22:30,612,979, C>T. VCF-style: chr22-30612979-C-T. GRCh37 (hg19) VCF-style: chr22-31008966-C-T.
Other names: c.346+18C>T (NM_001184726.2); short protein forms H122Y.
Identifiers: ClinVar variation 1015038 (VCV001015038.6), dbSNP rs373115973, ClinGen allele CA411208872.